The following is an entry in ClinVar:

ClinVar aggregate classification (germline): Uncertain significance. Review status: criteria provided, multiple submitters, no conflicts (2 of 4 stars). 3 submissions from 3 submitters: Uncertain significance (3). Last evaluated 2026-01-19.

Allele frequency attached by ClinVar (database versions not stated): ExAC 0.00001; TOPMed 0.00001; gnomAD 0.00002; gnomAD exomes 0.00003.
gnomAD v4.1: 47 of 1,610,846 alleles (0.0029%); highest among the groups gnomAD compares: South Asian, 0.0066%; no homozygotes.

Submissions (3):

Labcorp Genetics (formerly Invitae), Labcorp
Classification: Uncertain significance. Last evaluated: 2026-01-19. Review status: criteria provided, single submitter. Criteria: Invitae Variant Classification Sherloc (09022015). Collection method: clinical testing. Allele origin: germline.
Comment: This sequence change replaces tyrosine, which is neutral and polar, with cysteine, which is neutral and slightly polar, at codon 320 of the FUK protein (p.Tyr320Cys). This variant is present in population databases (rs749801352, gnomAD 0.005%). This variant has not been reported in the literature in individuals affected with FUK-related conditions. ClinVar contains an entry for this variant (Variation ID: 2183065). An algorithm developed to predict the effect of missense changes on protein structure and function (PolyPhen-2) suggests that this variant is likely to be tolerated. In summary, the available evidence is currently insufficient to determine the role of this variant in disease. Therefore, it has been classified as a Variant of Uncertain Significance.

Ambry Genetics
Classification: Uncertain significance. Last evaluated: 2025-08-06. Review status: criteria provided, single submitter. Criteria: Ambry Variant Classification Scheme 2023. Collection method: clinical testing. Allele origin: germline.

Blueprint Genetics
Classification: Uncertain significance. Last evaluated: 2023-08-28. Review status: criteria provided, single submitter. Criteria: ACMG Guidelines, 2015. Collection method: clinical testing. Allele origin: germline.

NM_145059.3(FCSK):c.959A>G (p.Tyr320Cys)

Gene: FCSK (fucose kinase; plus strand). Cytogenetic location: 16q22.1.
Variant type: single nucleotide variant.
Coding change: c.959A>G on transcript NM_145059.3 (MANE Select); coding-DNA position 959, A replaced by G.
Protein change: p.Tyr320Cys; replaces tyrosine 320 with cysteine.
Molecular consequence: missense variant.
Genome position (GRCh38, 1-based): chr16:70,470,317, A>G. VCF-style: chr16-70470317-A-G. GRCh37 (hg19) VCF-style: chr16-70504220-A-G.
Other names: c.959A>G (NM_145059.2); short protein forms Y320C.
Identifiers: ClinVar variation 2183065 (VCV002183065.6), dbSNP rs749801352, ClinGen allele CA8143149.